The following is an entry in ClinVar:

ClinVar aggregate classification (germline): Pathogenic (1 of 4 stars; one submission).

Submission:

Labcorp Genetics (formerly Invitae), Labcorp
Classification: Pathogenic. Last evaluated: 2023-02-22. Review status: criteria provided, single submitter. Criteria: Invitae Variant Classification Sherloc (09022015). Collection method: clinical testing. Allele origin: unknown.
Comment: This variant is a gross deletion of the genomic region encompassing exon(s) 39-56 of the USH2A gene. This variant would be expected to be in-frame, preserving the integrity of the reading frame. This variant has not been reported in the literature in individuals affected with USH2A-related conditions. This variant disrupts a region of the USH2A protein in which other variant(s) (p.Thr3571Met) have been determined to be pathogenic (PMID: 17085681, 21569298, 28653555, 28894305). This suggests that this is a clinically significant region of the protein, and that variants that disrupt it are likely to be disease-causing. For these reasons, this variant has been classified as Pathogenic.

Literature cited by the submitters: PubMed 17085681; PubMed 21569298; PubMed 28653555; PubMed 28894305.

NC_000001.10:g.(?_215940003)_(216074267_?)del

Gene: USH2A (usherin; minus strand). Cytogenetic location: 1q41.
Variant type: Deletion.
Identifiers: ClinVar variation 3248063 (VCV003248063.1).